The following is an entry in ClinVar:

NM_003721.4(RFXANK):c.*12C>T

Genes: NR2C2AP (nuclear receptor 2C2 associated protein; minus strand), RFXANK (regulatory factor X associated ankyrin containing protein; plus strand). Cytogenetic location: 19p13.11.
Variant type: single nucleotide variant.
Coding change: c.*12C>T on transcript NM_003721.4 (MANE Select); 12 bases downstream of the stop codon, C replaced by T.
Molecular consequence: 3 prime UTR variant. On other transcripts: intron variant (1).
Genome position (GRCh38, 1-based): chr19:19,201,731, C>T. VCF-style: chr19-19201731-C-T. GRCh37 (hg19) VCF-style: chr19-19312540-C-T.
Other names: c.*12C>T (NM_001370238.1, NM_134440.3, NM_001370234.1 and 6 more transcripts); c.415-168G>A (NM_001300945.2); c.*194G>A (NM_176880.6).
Identifiers: ClinVar variation 328651 (VCV000328651.6), dbSNP rs10413280, ClinGen allele CA9322965.

ClinVar aggregate classification (germline): Benign. Review status: criteria provided, multiple submitters, no conflicts (2 of 4 stars). 2 submissions from 2 submitters: Benign (2). Last evaluated 2026-01-21.

Conditions:
MHC class II deficiency. Also called: Bare lymphocyte syndrome 2; BLS, TYPE II. Identifiers: Orphanet 572, MedGen C5447452, MONDO:0008855.

Allele frequency attached by ClinVar (database versions not stated): gnomAD 0.01609 and 0.01716; 1000 Genomes Project 0.01997; TOPMed 0.01788; ExAC 0.00529; ESP Exome Variant Server 0.01945; 1000 Genomes Project 30x 0.01952; gnomAD exomes 0.00436.
gnomAD v4.1: 4,891 of 1,613,810 alleles (0.3%); highest among the groups gnomAD compares: African/African-American, 5.7%; 141 homozygotes.

Submissions (2):

Women's Health and Genetics/Laboratory Corporation of America, LabCorp
Classification: Benign. Last evaluated: 2026-01-21. Review status: criteria provided, single submitter. Criteria: LabCorp Variant Classification Summary - May 2015. Collection method: clinical testing. Allele origin: germline.

Illumina Laboratory Services, Illumina
Classification: Benign for MHC class II deficiency 1. Last evaluated: 2017-05-19. Review status: criteria provided, single submitter. Criteria: ICSL Variant Classification Criteria 13 December 2019. Collection method: clinical testing. Allele origin: germline.
Comment: This variant was observed as part of a predisposition screen in an ostensibly healthy population. A literature search was performed for the gene, cDNA change, and amino acid change (where applicable). No publications were found based on this search. Allele frequency data from public databases was too high to be consistent with this variant causing disease. Therefore, this variant is classified as benign.